The following is an entry in ClinVar:

ClinVar aggregate classification (germline): Uncertain significance (1 of 4 stars; one submission).

Conditions:
Radioulnar synostosis with amegakaryocytic thrombocytopenia 2 (RUSAT2). Also called: RADIOULNAR SYNOSTOSIS AND AMEGAKARYOCYTIC THROMBOCYTOPENIA 2. Identifiers: Orphanet 71289, MedGen C4225221, MONDO:0014758, OMIM 616738.

Submission:

Victorian Clinical Genetics Services, Murdoch Childrens Research Institute
Classification: Uncertain significance for Radioulnar synostosis with amegakaryocytic thrombocytopenia 2. Last evaluated: 2020-10-19. Review status: criteria provided, single submitter. Criteria: ACMG Guidelines, 2015. Collection method: clinical testing. Allele origin: germline. Inheritance: Autosomal dominant inheritance. Affected: yes.
Comment: Based on the classification scheme VCGS_Germline_v1.1.1, this variant is classified as 3A-VUS. Following criteria are met: 0105 - The mechanism of disease for this gene is not clearly established. (N) 0107 - This gene is known to be associated with autosomal dominant disease. (N) 0213 - In-frame insertion/deletion in a non-repetitive region that has high conservation (exon 13). (P) 0254 - Variant is suspected mosaic. (N) 0301 - Variant is absent from gnomAD. (P) 0601 - Variant affects at least one well-established (essential) functional domain or motif (C2H2 type zinc-finger; NCBI; PDB). This residue is a DNA binding site located within a cluster of pathogenic missense (PMID: 26581901, PMID: 29519864). (P) 0705 - No comparable variants have previous evidence for pathogenicity. (N) 0807 - Variant has not previously been reported in a clinical context. (N) 0905 - No segregation evidence has been identified for this variant. (N) 1007 - No published functional evidence has been identified for this variant. (N) 1208 - Inheritance information for this variant is not currently available. (N) Legend: (P) - Pathogenic, (N) - Neutral, (B) - Benign

Literature cited by the submitters: PubMed 26581901; PubMed 29519864.

NM_004991.4(MECOM):c.2873_2875del (p.Phe958_Ser959delinsCys)

Gene: MECOM (MDS1 and EVI1 complex locus; minus strand). Cytogenetic location: 3q26.2.
Variant type: Deletion.
Coding change: c.2873_2875del on transcript NM_004991.4 (MANE Select); coding-DNA positions 2873 to 2875, 3 bases deleted (TTA; older notation c.2873_2875delTTA).
Protein change: p.Phe958_Ser959delinsCys.
Molecular consequence: inframe indel.
Genome position (GRCh38, 1-based): chr3:169,095,220-169,095,222, TAA deleted on the plus strand (TTA on the coding strand, the reverse complement: MECOM is on the minus strand). VCF-style (leftmost placement, unchanged base first): chr3-169095219-CTAA-C. GRCh37 (hg19) VCF-style: chr3-168813007-CTAA-C.
Other names: c.2504_2506del, p.Phe835_Ser836delinsCys (NM_001105077.4); c.2309_2311del, p.Phe770_Ser771delinsCys (NM_001105078.4, NM_001205194.2, NM_001366469.2 and 1 more transcripts); c.2285_2287del, p.Phe762_Ser763delinsCys (NM_001163999.2, NM_001366470.2); c.2282_2284del, p.Phe761_Ser762delinsCys (NM_001164000.2, NM_001366471.2, NM_001366472.2); c.2846_2848del, p.Phe949_Ser950delinsCys (NM_001366466.2); c.2312_2314del, p.Phe771_Ser772delinsCys (NM_001366467.2, NM_001366468.2); c.1874_1876del, p.Phe625_Ser626delinsCys (NM_001366473.2); c.1310_1312del, p.Phe437_Ser438delinsCys (NM_001366474.2).
Identifiers: ClinVar variation 1699003 (VCV001699003.3), dbSNP rs2148891166, ClinGen allele CA1139532833.